The following is an entry in ClinVar:

NM_001370259.2(MEN1):c.1749G>T (p.Ser583=)

Gene: MEN1 (menin 1; minus strand). Cytogenetic location: 11q13.1.
Variant type: single nucleotide variant.
Coding change: c.1749G>T on transcript NM_001370259.2 (MANE Select); coding-DNA position 1749, G replaced by T.
Protein change: p.Ser583=; no amino-acid change (serine 583 retained).
Molecular consequence: synonymous variant.
Genome position (GRCh38, 1-based): chr11:64,804,418, C>A on the plus strand (G>T on the coding strand, the complement: MEN1 is on the minus strand). VCF-style: chr11-64804418-C-A. GRCh37 (hg19) VCF-style: chr11-64571890-C-A.
Other names: c.1764G>T, p.Ser588= (NM_000244.4, NM_130800.3, NM_130801.3 and 3 more transcripts); c.1875G>T, p.Ser625= (NM_001370251.2); c.1749G>T, p.Ser583= (NM_001370260.2, NM_001370261.2, NM_130799.3); c.1644G>T, p.Ser548= (NM_001370262.2, NM_001370263.2); c.1749G>T (NM_130799.2).
Identifiers: ClinVar variation 1158914 (VCV001158914.11), dbSNP rs765105348, ClinGen allele CA475163108.

ClinVar aggregate classification (germline): Benign/Likely benign. Review status: criteria provided, multiple submitters, no conflicts (2 of 4 stars). 3 submissions from 3 submitters: Benign (1); Likely benign (2). Last evaluated 2025-01-20.

Conditions:
Hereditary cancer-predisposing syndrome. Also called: Neoplastic Syndromes, Hereditary; Hereditary Cancer Syndrome; Hereditary neoplastic syndrome; Tumor predisposition. Identifiers: Orphanet 140162, MedGen C0027672, MeSH D009386, MONDO:0015356.
Multiple endocrine neoplasia, type 1 (MEN1). Also called: Endocrine adenomatosis multiple; MEN 1; MEN I; WERMER SYNDROME; MEA I. Identifiers: Orphanet 652, MedGen C0025267, MeSH D018761, MONDO:0007540, OMIM 131100.

Submissions (3):

Ambry Genetics
Classification: Likely benign for Hereditary cancer-predisposing syndrome. Last evaluated: 2025-01-20. Review status: criteria provided, single submitter. Criteria: Ambry Variant Classification Scheme 2023. Collection method: clinical testing. Allele origin: germline.

Myriad Genetics, Inc.
Classification: Benign for Multiple endocrine neoplasia, type 1. Last evaluated: 2024-11-05. Review status: criteria provided, single submitter. Criteria: Myriad Autosomal Dominant, Autosomal Recessive and X-Linked Classification Criteria (2023). Collection method: clinical testing. Allele origin: unknown.
Comment: This variant is considered benign. This variant is a silent/synonymous amino acid change and it is not expected to impact splicing.

Labcorp Genetics (formerly Invitae), Labcorp
Classification: Likely benign for Multiple endocrine neoplasia, type 1. Last evaluated: 2024-03-06. Review status: criteria provided, single submitter. Criteria: Invitae Variant Classification Sherloc (09022015). Collection method: clinical testing. Allele origin: germline.